The following is an entry in ClinVar:

NM_004415.4(DSP):c.5005C>T (p.Leu1669Phe)

Gene: DSP (desmoplakin; plus strand). Cytogenetic location: 6p24.3.
Variant type: single nucleotide variant.
Coding change: c.5005C>T on transcript NM_004415.4 (MANE Select); coding-DNA position 5005, C replaced by T.
Protein change: p.Leu1669Phe; replaces leucine 1669 with phenylalanine.
Molecular consequence: missense variant. On other transcripts: intron variant (2).
Genome position (GRCh38, 1-based): chr6:7,581,195, C>T. VCF-style: chr6-7581195-C-T. GRCh37 (hg19) VCF-style: chr6-7581428-C-T.
Other names: p.L1669F:CTC>TTC; c.5005C>T (LRG_423t1); c.4050+955C>T (NM_001319034.2); c.3582+1423C>T (NM_001008844.3); short protein forms L1669F.
Identifiers: ClinVar variation 199842 (VCV000199842.1), dbSNP rs794728102, ClinGen allele CA004235.

ClinVar aggregate classification (germline): Likely benign (1 of 4 stars; one submission).

Allele frequency attached by ClinVar (database versions not stated): gnomAD exomes below 0.00001.
gnomAD v4.1: 1 of 1,614,152 alleles (0.000062%); highest among the groups gnomAD compares: Non-Finnish European, 0.000085%; no homozygotes.

Submission:

GeneDx
Classification: Likely benign. Last evaluated: 2014-03-24. Review status: criteria provided, single submitter. Criteria: GeneDx Variant Classification (06012015). Collection method: clinical testing. Allele origin: germline. Affected: yes.
Comment: This variant is considered likely benign or benign based on one or more of the following criteria: it is a conservative change, it occurs at a poorly conserved position in the protein, it is predicted to be benign by multiple in silico algorithms, and/or has population frequency not consistent with disease.